The following is an entry in ClinVar:

ClinVar aggregate classification (germline): Uncertain significance. Review status: criteria provided, multiple submitters, no conflicts (2 of 4 stars). 2 submissions from 2 submitters: Uncertain significance (2). Last evaluated 2022-10-12.

Conditions:
Hereditary cancer-predisposing syndrome. Also called: Hereditary Cancer Syndrome; Tumor predisposition; Hereditary neoplastic syndrome; Neoplastic Syndromes, Hereditary. Identifiers: Orphanet 140162, MedGen C0027672, MeSH D009386, MONDO:0015356.
Tuberous sclerosis 2 (TSC2). Identifiers: Orphanet 805, MedGen C1860707, MONDO:0013199, OMIM 613254.

Submissions (2):

Ambry Genetics
Classification: Uncertain significance for Hereditary cancer-predisposing syndrome. Last evaluated: 2022-10-12. Review status: criteria provided, single submitter. Criteria: Ambry Variant Classification Scheme 2023. Collection method: clinical testing. Allele origin: germline.
Comment: The p.S1282R variant (also known as c.3844A>C), located in coding exon 31 of the TSC2 gene, results from an A to C substitution at nucleotide position 3844. The serine at codon 1282 is replaced by arginine, an amino acid with dissimilar properties. This amino acid position is conserved. In addition, the in silico prediction for this alteration is inconclusive. Since supporting evidence is limited at this time, the clinical significance of this alteration remains unclear.

Labcorp Genetics (formerly Invitae), Labcorp
Classification: Uncertain significance for Tuberous sclerosis 2. Last evaluated: 2022-09-01. Review status: criteria provided, single submitter. Criteria: Invitae Variant Classification Sherloc (09022015). Collection method: clinical testing. Allele origin: germline.
Comment: This sequence change replaces serine, which is neutral and polar, with arginine, which is basic and polar, at codon 1282 of the TSC2 protein (p.Ser1282Arg). In summary, the available evidence is currently insufficient to determine the role of this variant in disease. Therefore, it has been classified as a Variant of Uncertain Significance. Advanced modeling of protein sequence and biophysical properties (such as structural, functional, and spatial information, amino acid conservation, physicochemical variation, residue mobility, and thermodynamic stability) performed at Invitae indicates that this missense variant is not expected to disrupt TSC2 protein function. ClinVar contains an entry for this variant (Variation ID: 1052995). This variant has not been reported in the literature in individuals affected with TSC2-related conditions. This variant is not present in population databases (gnomAD no frequency).

NM_000548.5(TSC2):c.3844A>C (p.Ser1282Arg)

Gene: TSC2 (TSC complex subunit 2; plus strand). Cytogenetic location: 16p13.3.
Variant type: single nucleotide variant.
Coding change: c.3844A>C on transcript NM_000548.5 (MANE Select); coding-DNA position 3844, A replaced by C.
Protein change: p.Ser1282Arg; replaces serine 1282 with arginine.
Molecular consequence: missense variant. On other transcripts: intron variant (6).
Genome position (GRCh38, 1-based): chr16:2,082,465, A>C. VCF-style: chr16-2082465-A-C. GRCh37 (hg19) VCF-style: chr16-2132466-A-C.
Other names: c.3112A>C, p.Ser1038Arg (NM_001318831.2); c.3712A>C, p.Ser1238Arg (NM_001370404.1); c.3715A>C, p.Ser1239Arg (NM_001370405.1, NM_021055.3); c.3814+667A>C (NM_001114382.3); c.3685+667A>C (NM_001363528.2); c.3682+667A>C (NM_001077183.3); c.3574+667A>C (NM_001318827.2); c.3538+667A>C (NM_001318829.2); and 1 more; short protein forms S1038R, S1238R, S1239R, S1282R.
Identifiers: ClinVar variation 1052995 (VCV001052995.11), dbSNP rs45446700, ClinGen allele CA394294938.